The following is an entry in ClinVar:

ClinVar aggregate classification (germline): Likely benign. Review status: criteria provided, multiple submitters, no conflicts (2 of 4 stars). 2 submissions from 2 submitters: Likely benign (2). Last evaluated 2026-09-01.

Allele frequency attached by ClinVar (database versions not stated): ExAC 0.00001; TOPMed 0.00001; ESP Exome Variant Server 0.00009.
gnomAD v4.1: 21 of 1,212,021 alleles (0.0017%); highest among the groups gnomAD compares: Non-Finnish European, 0.0021%; no homozygotes.

Submissions (2):

CeGaT Center for Human Genetics Tuebingen
Classification: Likely benign. Last evaluated: 2026-09-01. Review status: criteria provided, single submitter. Criteria: CeGaT Center For Human Genetics Tuebingen Variant Classification Criteria Version 2. Collection method: clinical testing. Allele origin: germline. Affected: yes. Observed: 1 variant allele.
Comment: RAB39B: BP4, BP7, BS2

Labcorp Genetics (formerly Invitae), Labcorp
Classification: Likely benign. Last evaluated: 2023-12-08. Review status: criteria provided, single submitter. Criteria: Invitae Variant Classification Sherloc (09022015). Collection method: clinical testing. Allele origin: germline.

NM_171998.4(RAB39B):c.123G>T (p.Val41=)

Gene: RAB39B (RAB39B, member RAS oncogene family; minus strand). Cytogenetic location: Xq28.
Variant type: single nucleotide variant.
Coding change: c.123G>T on transcript NM_171998.4 (MANE Select); coding-DNA position 123, G replaced by T.
Protein change: p.Val41=; no amino-acid change (valine 41 retained).
Molecular consequence: synonymous variant.
Genome position (GRCh38, 1-based): chrX:155,264,166, C>A on the plus strand (G>T on the coding strand, the complement: RAB39B is on the minus strand). VCF-style: chrX-155264166-C-A. GRCh37 (hg19) VCF-style: chrX-154493451-C-A.
Identifiers: ClinVar variation 2737467 (VCV002737467.4), dbSNP rs137950464, ClinGen allele CA10569247.
Genomic context (GRCh38, chrX:155,264,166, plus strand): 5'-CTGGAGCTTGATGCGTTTTCCTGGCTCGATCTCCACCAAGCGGGAGAAAAAATCCACCCC[C>A]ACGGTGGGGTCAGAAACCTGGGCAAAGCGACCCTCGGTGAAGCGGCGGATCAGGCAGGAC-3'
Protein context (NP_741995.1, residues 31-51): GRFAQVSDPT[Val41=]GVDFFSRLVE